The following is an entry in ClinVar:

NM_015629.4(PRPF31):c.1480A>G (p.Ser494Gly)

Gene: PRPF31 (pre-mRNA processing factor 31; plus strand). Cytogenetic location: 19q13.42.
Variant type: single nucleotide variant.
Coding change: c.1480A>G on transcript NM_015629.4 (MANE Select); coding-DNA position 1480, A replaced by G.
Protein change: p.Ser494Gly; replaces serine 494 with glycine.
Molecular consequence: missense variant.
Genome position (GRCh38, 1-based): chr19:54,131,412, A>G. VCF-style: chr19-54131412-A-G. GRCh37 (hg19) VCF-style: chr19-54634843-A-G.
Other names: short protein forms S494G.
Identifiers: ClinVar variation 2955331 (VCV002955331.5), dbSNP rs1286625081, ClinGen allele CA407757205.

ClinVar aggregate classification (germline): Uncertain significance. Review status: criteria provided, multiple submitters, no conflicts (2 of 4 stars). 3 submissions from 3 submitters: Uncertain significance (2). 1 of the submissions does not count toward it. Last evaluated 2024-02-26.

Conditions:
Retinal dystrophy. Also called: Inherited retinal dystrophy. Identifiers: Orphanet 71862, MedGen C0854723, MeSH D058499, MONDO:0019118, HP:0000556.

Allele frequency attached by ClinVar (database versions not stated): gnomAD 0.00002; gnomAD exomes 0.00002; TOPMed 0.00002.
gnomAD v4.1: 27 of 1,614,000 alleles (0.0017%); highest among the groups gnomAD compares: Non-Finnish European, 0.0022%; no homozygotes.

Submissions (3):

Blueprint Genetics
Classification: Uncertain significance. Last evaluated: 2024-02-26. Review status: criteria provided, single submitter. Criteria: ACMG Guidelines, 2015. Collection method: clinical testing. Allele origin: germline.

Labcorp Genetics (formerly Invitae), Labcorp
Classification: Uncertain significance. Last evaluated: 2023-10-24. Review status: criteria provided, single submitter. Criteria: Invitae Variant Classification Sherloc (09022015). Collection method: clinical testing. Allele origin: germline.
Comment: This sequence change replaces serine, which is neutral and polar, with glycine, which is neutral and non-polar, at codon 494 of the PRPF31 protein (p.Ser494Gly). This variant is present in population databases (no rsID available, gnomAD 0.0009%). This variant has not been reported in the literature in individuals affected with PRPF31-related conditions. An algorithm developed to predict the effect of missense changes on protein structure and function (PolyPhen-2) suggests that this variant is likely to be tolerated. Algorithms developed to predict the effect of sequence changes on RNA splicing suggest that this variant may create or strengthen a splice site. In summary, the available evidence is currently insufficient to determine the role of this variant in disease. Therefore, it has been classified as a Variant of Uncertain Significance.

Institute of Human Genetics, Univ. Regensburg, Univ. Regensburg
Classification: Uncertain significance for Retinal dystrophy. Last evaluated: 2021-01-01. Review status: no assertion criteria provided. Criteria: ACMG Guidelines, 2015. Collection method: clinical testing. Allele origin: germline. Affected: yes. Not counted in ClinVar's aggregate classification.